The following is an entry in ClinVar:

ClinVar aggregate classification (germline): Benign. Review status: criteria provided, multiple submitters, no conflicts (2 of 4 stars). 17 submissions from 14 submitters: Benign (14). 3 of the submissions do not count toward it. Last evaluated 2026-02-04.

Conditions:
RYR1-related disorder. Also called: RYR1-related condition; RYR1-related disorders. Identifiers: MedGen CN239331.
King Denborough syndrome (KDS). Identifiers: MedGen C1840365, MONDO:0020485, OMIM 619542.
Central core myopathy (CMYO1A). Also called: CONGENITAL MYOPATHY 1A, AUTOSOMAL DOMINANT, WITH SUSCEPTIBILITY TO MALIGNANT HYPERTHERMIA; Central core disease; Myopathy, central fibrillar. Identifiers: Orphanet 597, MedGen C5830701, MONDO:0007294, OMIM 117000.
Congenital multicore myopathy with external ophthalmoplegia (CMYO1B). Also called: Congenital myopathy 1B, autosomal recessive; Minicore myopathy; Minicore myopathy with external ophthalmoplegia; MULTIMINICORE DISEASE WITH EXTERNAL OPHTHALMOPLEGIA; MULTICORE MYOPATHY. Identifiers: Orphanet 598, Orphanet 98905, MedGen C1850674, MONDO:0009712, OMIM 255320, HP:0003789.
Malignant hyperthermia, susceptibility to, 1 (MHS1). Also called: RYR1-Related Malignant Hyperthermia Susceptibility; Malignant hyperthermia suceptibility 1; Anesthesia related hyperthermia; Malignant hyperpyrexia; Fulminating hyperpyrexia; Pharmacogenic myopathy. Identifiers: Orphanet 423, MedGen C2930980, MONDO:0007783, OMIM 145600.

Allele frequency attached by ClinVar (database versions not stated): gnomAD 0.08780 and 0.09301; ESP Exome Variant Server 0.08819; TOPMed 0.09383; gnomAD exomes 0.09739 and 0.10768; ExAC 0.11155; 1000 Genomes Project 30x 0.12836; 1000 Genomes Project 0.13598.
gnomAD v4.1: 156,847 of 1,614,000 alleles (9.7%); highest among the groups gnomAD compares: South Asian, 22%; 8,841 homozygotes.

Submissions (17):

Labcorp Genetics (formerly Invitae), Labcorp
Classification: Benign for RYR1-related disorder. Last evaluated: 2026-02-04. Review status: criteria provided, single submitter. Criteria: Invitae Variant Classification Sherloc (09022015). Collection method: clinical testing. Allele origin: germline.

Genome-Nilou Lab
Classification: Benign for Central core myopathy. Last evaluated: 2021-11-07. Review status: criteria provided, single submitter. Criteria: ACMG Guidelines, 2015. Collection method: clinical testing. Allele origin: germline. Affected: no.

Genome-Nilou Lab
Classification: Benign for King Denborough syndrome. Last evaluated: 2021-11-07. Review status: criteria provided, single submitter. Criteria: ACMG Guidelines, 2015. Collection method: clinical testing. Allele origin: germline. Affected: no.

Genome-Nilou Lab
Classification: Benign for Congenital multicore myopathy with external ophthalmoplegia. Last evaluated: 2021-11-07. Review status: criteria provided, single submitter. Criteria: ACMG Guidelines, 2015. Collection method: clinical testing. Allele origin: germline. Affected: no.

Color Diagnostics, LLC DBA Color Health
Classification: Benign for Malignant hyperthermia, susceptibility to, 1. Last evaluated: 2019-03-29. Review status: criteria provided, single submitter. Criteria: ACMG Guidelines, 2015. Collection method: clinical testing. Allele origin: germline.

PreventionGenetics, part of Exact Sciences
Classification: Benign. Last evaluated: 2018-04-02. Review status: criteria provided, single submitter. Criteria: ACMG Guidelines, 2015. Collection method: clinical testing. Allele origin: germline.

Illumina Laboratory Services, Illumina
Classification: Benign for Malignant hyperthermia, susceptibility to, 1. Last evaluated: 2018-01-13. Review status: criteria provided, single submitter. Criteria: ICSL Variant Classification Criteria 13 December 2019. Collection method: clinical testing. Allele origin: germline.
Comment: This variant was observed in the ICSL laboratory as part of a predisposition screen in an ostensibly healthy population. It had not been previously curated by ICSL or reported in the Human Gene Mutation Database (HGMD: prior to June 1st, 2018), and was therefore a candidate for classification through an automated scoring system. Utilizing variant allele frequency, disease prevalence and penetrance estimates, and inheritance mode, an automated score was calculated to assess if this variant is too frequent to cause the disease. Based on the score and internal cut-off values, a variant classified as benign is not then subjected to further curation. The score for this variant resulted in a classification of benign for this disease.

Illumina Laboratory Services, Illumina
Classification: Benign for Congenital multicore myopathy with external ophthalmoplegia. Last evaluated: 2018-01-13. Review status: criteria provided, single submitter. Criteria: ICSL Variant Classification Criteria 13 December 2019. Collection method: clinical testing. Allele origin: germline.
Comment: the same text as in the submission from Illumina Laboratory Services, Illumina above.

Mayo Clinic Laboratories, Mayo Clinic
Classification: Benign. Last evaluated: 2017-07-24. Review status: criteria provided, single submitter. Criteria: ACMG Guidelines, 2015. Collection method: clinical testing. Allele origin: germline. Observed: 140 variant alleles.

GeneDx
Classification: Benign. Last evaluated: 2016-02-08. Review status: criteria provided, single submitter. Criteria: GeneDx Variant Classification (06012015). Collection method: clinical testing. Allele origin: germline. Affected: yes.
Comment: This variant is considered likely benign or benign based on one or more of the following criteria: it is a conservative change, it occurs at a poorly conserved position in the protein, it is predicted to be benign by multiple in silico algorithms, and/or has population frequency not consistent with disease.

Laboratory for Molecular Medicine, Mass General Brigham Personalized Medicine
Classification: Benign. Last evaluated: 2015-01-13. Review status: criteria provided, single submitter. Criteria: LMM Criteria. Collection method: clinical testing. Allele origin: germline. Observed: 2 variant alleles.
Comment: p.Val2509Val in exon 47 of RYR1: This variant is not expected to have clinical s ignificance because it does not alter an amino acid residue and is not located w ithin the splice consensus sequence. It has been identified in 9.2% (406/4406) o f African American chromosomes from a broad population by the NHLBI Exome Sequen cing Project (dbSNP rs2071088).

Eurofins Ntd Llc (ga)
Classification: Benign. Last evaluated: 2014-07-14. Review status: criteria provided, single submitter. Criteria: EGL Classification Definitions 2015. Collection method: clinical testing. Allele origin: germline. Observed: 10 variant alleles, 10 heterozygotes.

Genetic Services Laboratory, University of Chicago
Classification: Benign. Last evaluated: 2013-02-08. Review status: criteria provided, single submitter. Criteria: ACMG Guidelines, 2007. Collection method: clinical testing. Allele origin: germline. Inheritance: Autosomal unknown.

Breakthrough Genomics
Classification: Benign. Review status: criteria provided, single submitter. Criteria: ACMG Guidelines, 2015. Collection method: not provided. Allele origin: germline. Inheritance: Autosomal recessive inheritance. Affected: yes.

Clinical Genetics, Academic Medical Center
Classification: Benign. Review status: no assertion criteria provided. Collection method: clinical testing. Allele origin: germline. Affected: yes. Study: VKGL Data-share Consensus. Not counted in ClinVar's aggregate classification.

Joint Genome Diagnostic Labs from Nijmegen and Maastricht, Radboudumc and MUMC+
Classification: Benign. Review status: no assertion criteria provided. Collection method: clinical testing. Allele origin: germline. Affected: yes. Study: VKGL Data-share Consensus. Not counted in ClinVar's aggregate classification.

RYR1 database
No classification provided. Review status: no classification provided. Collection method: not provided. Allele origin: unknown. Not counted in ClinVar's aggregate classification.

NM_000540.3(RYR1):c.7527G>A (p.Val2509=)

Gene: RYR1 (ryanodine receptor 1; plus strand). Cytogenetic location: 19q13.2.
Variant type: single nucleotide variant.
Coding change: c.7527G>A on transcript NM_000540.3 (MANE Select); coding-DNA position 7527, G replaced by A.
Protein change: p.Val2509=; no amino-acid change (valine 2509 retained).
Molecular consequence: synonymous variant.
Genome position (GRCh38, 1-based): chr19:38,500,903, G>A. VCF-style: chr19-38500903-G-A. GRCh37 (hg19) VCF-style: chr19-38991543-G-A.
Other names: p.Val2509=; c.7527G>A, p.Val2509= (NM_001042723.2).
Identifiers: ClinVar variation 93288 (VCV000093288.34), dbSNP rs2071088, ClinGen allele CA024824.